The following is an entry in ClinVar:

ClinVar aggregate classification (germline): Uncertain significance (1 of 4 stars; one submission).

Conditions:
Primary ciliary dyskinesia. Also called: Ciliary dyskinesia. Identifiers: Orphanet 244, MedGen C0008780, MONDO:0016575, HP:0012265.

Allele frequency attached by ClinVar (database versions not stated): gnomAD 0.00001; TOPMed 0.00001; ExAC 0.00002.

Submission:

Labcorp Genetics (formerly Invitae), Labcorp
Classification: Uncertain significance for Primary ciliary dyskinesia. Last evaluated: 2019-08-27. Review status: criteria provided, single submitter. Criteria: Invitae Variant Classification Sherloc (09022015). Collection method: clinical testing. Allele origin: germline.
Comment: In summary, the available evidence is currently insufficient to determine the role of this variant in disease. Therefore, it has been classified as a Variant of Uncertain Significance. Algorithms developed to predict the effect of missense changes on protein structure and function are either unavailable or do not agree on the potential impact of this missense change (SIFT: "Tolerated"; PolyPhen-2: "Possibly Damaging"; Align-GVGD: "Class C0"). This variant has not been reported in the literature in individuals with DRC1-related conditions. This variant is present in population databases (rs751715818, ExAC 0.02%). This sequence change replaces alanine with valine at codon 631 of the DRC1 protein (p.Ala631Val). The alanine residue is moderately conserved and there is a small physicochemical difference between alanine and valine.

NM_145038.5(DRC1):c.1892C>T (p.Ala631Val)

Gene: DRC1 (dynein regulatory complex subunit 1; plus strand). Cytogenetic location: 2p23.3.
Variant type: single nucleotide variant.
Coding change: c.1892C>T on transcript NM_145038.5 (MANE Select); coding-DNA position 1892, C replaced by T.
Protein change: p.Ala631Val; replaces alanine 631 with valine.
Molecular consequence: missense variant.
Genome position (GRCh38, 1-based): chr2:26,453,522, C>T. VCF-style: chr2-26453522-C-T. GRCh37 (hg19) VCF-style: chr2-26676390-C-T.
Other names: short protein forms A631V.
Identifiers: ClinVar variation 940264 (VCV000940264.8), dbSNP rs751715818, ClinGen allele CA1562422.
Genomic context (GRCh38, chr2:26,453,522, plus strand): 5'-AGGAGACCCCACCCTCCCCCTGGGTCATCCACCCCAATGATGTCCTCAAGATTCTGGAGG[C>T]CTTCGTCATGGGTCTGAAGAAGCCTAGGTGGGCTGCGGGGCTGGAAGGCTTGCCTGAGAC-3'
Protein context (NP_659475.2, residues 621-641): HPNDVLKILE[Ala631Val]FVMGLKKPRD